The following is an entry in ClinVar:

ClinVar aggregate classification (germline): Uncertain significance (1 of 4 stars; one submission).

Submission:

CeGaT Center for Human Genetics Tuebingen
Classification: Uncertain significance. Last evaluated: 2022-03-01. Review status: criteria provided, single submitter. Criteria: CeGaT Center For Human Genetics Tuebingen Variant Classification Criteria Version 2. Collection method: clinical testing. Allele origin: germline. Affected: yes. Observed: 1 variant allele.
Comment: RALGAPB: PM2, PP2, PP3, PS2:Supporting

NM_020336.4(RALGAPB):c.2870C>T (p.Ala957Val)

Gene: RALGAPB (Ral GTPase activating protein non-catalytic subunit beta; plus strand). Cytogenetic location: 20q11.23.
Variant type: single nucleotide variant.
Coding change: c.2870C>T on transcript NM_020336.4 (MANE Select); coding-DNA position 2870, C replaced by T.
Protein change: p.Ala957Val; replaces alanine 957 with valine.
Molecular consequence: missense variant.
Genome position (GRCh38, 1-based): chr20:38,546,398, C>T. VCF-style: chr20-38546398-C-T. GRCh37 (hg19) VCF-style: chr20-37175041-C-T.
Other names: c.2870C>T, p.Ala957Val (NM_001282917.2); c.2858C>T, p.Ala953Val (NM_001282918.2); short protein forms A953V, A957V.
Identifiers: ClinVar variation 1675855 (VCV001675855.33), dbSNP rs2145415080, ClinGen allele CA408889133.